The following is an entry in ClinVar:

NM_001110556.2(FLNA):c.3742C>T (p.Gln1248Ter)

Gene: FLNA (filamin A; minus strand). Cytogenetic location: Xq28.
Variant type: single nucleotide variant.
Coding change: c.3742C>T on transcript NM_001110556.2 (MANE Select); coding-DNA position 3742, C replaced by T.
Protein change: p.Gln1248Ter; replaces glutamine 1248 with a stop codon.
Molecular consequence: nonsense.
Genome position (GRCh38, 1-based): chrX:154,360,053, G>A on the plus strand (C>T on the coding strand, the complement: FLNA is on the minus strand). VCF-style: chrX-154360053-G-A. GRCh37 (hg19) VCF-style: chrX-153588421-G-A.
Other names: c.3742C>T, p.Gln1248Ter (NM_001456.4); short protein forms Q1248*.
Identifiers: ClinVar variation 941466 (VCV000941466.10), dbSNP rs2067693064, ClinGen allele CA415222811.

ClinVar aggregate classification (germline): Pathogenic (1 of 4 stars; one submission).

Conditions:
Frontometaphyseal dysplasia (FMD1). Identifiers: Orphanet 1826, MedGen C0265293, MONDO:0015942.
Heterotopia, periventricular, X-linked dominant (PVNH1). Also called: PERIVENTRICULAR NODULAR HETEROTOPIA 1; X-linked periventricular heterotopia; PERIVENTRICULAR NODULAR HETEROTOPIA 4; HETEROTOPIA, PERIVENTRICULAR, 1. Identifiers: Orphanet 2149, Orphanet 82004, MedGen C1848213, MONDO:0010233, OMIM 300049.
Melnick-Needles syndrome (MNS). Also called: MELNICK-NEEDLES OSTEODYSPLASTY; OSTEODYSPLASTY OF MELNICK AND NEEDLES; Melnick-Needles Syndrome (FLNA-MNS). Identifiers: Orphanet 2484, MedGen C0025237, MONDO:0010650, OMIM 309350.
Oto-palato-digital syndrome, type II (OPD2). Also called: OPD II SYNDROME; FACIOPALATOOSSEOUS SYNDROME; Otopalatodigital Syndrome Type 2 (FLNA-OPD2); Otopalatodigital Syndrome, Type II. Identifiers: Orphanet 669, Orphanet 90652, MedGen C1844696, MONDO:0010571, OMIM 304120.

Submission:

Labcorp Genetics (formerly Invitae), Labcorp
Classification: Pathogenic for Oto-palato-digital syndrome, type II; Heterotopia, periventricular, X-linked dominant; Frontometaphyseal dysplasia; Melnick-Needles syndrome. Last evaluated: 2024-01-10. Review status: criteria provided, single submitter. Criteria: Invitae Variant Classification Sherloc (09022015). Collection method: clinical testing. Allele origin: germline.
Comment: This sequence change creates a premature translational stop signal (p.Gln1248*) in the FLNA gene. It is expected to result in an absent or disrupted protein product. Loss-of-function variants in FLNA are known to be pathogenic (PMID: 16684786, 20730588, 26471271). This variant is not present in population databases (gnomAD no frequency). This premature translational stop signal has been observed in individual(s) with periventricular nodular heterotopia (PMID: 16303888, 26471271). ClinVar contains an entry for this variant (Variation ID: 941466). For these reasons, this variant has been classified as Pathogenic.

Literature cited by the submitters: PubMed 16684786; PubMed 20730588; PubMed 26471271; PubMed 16303888.